The following is an entry in ClinVar:

NC_000023.10:g.(?_77270139)_(77271398_?)del

Gene: ATP7A (ATPase copper transporting alpha; plus strand). Cytogenetic location: Xq21.1.
Variant type: Deletion.
Identifiers: ClinVar variation 1073823 (VCV001073823.7).

ClinVar aggregate classification (germline): Pathogenic (1 of 4 stars; one submission).

Conditions:
Cutis laxa, X-linked (OHS). Also called: EDS IX; Occipital horn syndrome. Identifiers: Orphanet 198, MedGen C0268353, MONDO:0010572, OMIM 304150.
Menkes kinky-hair syndrome (MNK). Also called: Copper transport disease; Menkes Disease; Classic Menkes Disease. Identifiers: Orphanet 565, MedGen C0022716, MONDO:0010651, OMIM 309400.
X-linked distal spinal muscular atrophy type 3. Also called: SPINAL MUSCULAR ATROPHY, DISTAL, X-LINKED RECESSIVE; ATP7A-Related Distal Motor Neuropathy; NEURONOPATHY, DISTAL HEREDITARY MOTOR, X-LINKED; NEUROPATHY, DISTAL HEREDITARY MOTOR, X-LINKED. Identifiers: Orphanet 139557, MedGen C1845359, MONDO:0010338, OMIM 300489.

Submission:

Labcorp Genetics (formerly Invitae), Labcorp
Classification: Pathogenic for X-linked distal spinal muscular atrophy type 3; Cutis laxa, X-linked; Menkes kinky-hair syndrome. Last evaluated: 2022-01-22. Review status: criteria provided, single submitter. Criteria: Invitae Variant Classification Sherloc (09022015). Collection method: clinical testing. Allele origin: germline.
Comment: For these reasons, this variant has been classified as Pathogenic. This variant has not been reported in the literature in individuals affected with ATP7A-related conditions. This variant is a gross deletion of the genomic region encompassing exon(s) 11-12 of the ATP7A gene. This deletion is out-of-frame, and is expected to create a premature termination codon and result in an absent or disrupted protein product. Loss-of-function variants in ATP7A are known to be pathogenic (PMID: 11241493, 20652413).

Literature cited by the submitters: PubMed 11241493; PubMed 20652413.